The following is an entry in ClinVar:

NM_001267550.2(TTN):c.105197C>T (p.Ser35066Leu)

Genes: TTN (titin; minus strand), TTN-AS1 (TTN antisense RNA 1; plus strand). Cytogenetic location: 2q31.2.
Variant type: single nucleotide variant.
Coding change: c.105197C>T on transcript NM_001267550.2 (MANE Select); coding-DNA position 105197, C replaced by T.
Protein change: p.Ser35066Leu; replaces serine 35066 with leucine.
Molecular consequence: missense variant.
Genome position (GRCh38, 1-based): chr2:178,531,418, G>A on the plus strand (C>T on the coding strand, the complement: TTN is on the minus strand). VCF-style: chr2-178531418-G-A. GRCh37 (hg19) VCF-style: chr2-179396145-G-A.
Other names: c.100274C>T, p.Ser33425Leu (NM_001256850.1); c.78002C>T, p.Ser26001Leu (NM_003319.4); c.97493C>T, p.Ser32498Leu (NM_133378.4); c.78377C>T, p.Ser26126Leu (NM_133432.3); c.78578C>T, p.Ser26193Leu (NM_133437.4); short protein forms S26001L, S26193L, S35066L, S26126L, S32498L, S33425L.
Identifiers: ClinVar variation 1491195 (VCV001491195.4), dbSNP rs1346086554, ClinGen allele CA349409287.

ClinVar aggregate classification (germline): Uncertain significance (1 of 4 stars; one submission).

Conditions:
Dilated cardiomyopathy 1G (CMD1G). Identifiers: Orphanet 154, MedGen C1858763, MONDO:0011400, OMIM 604145.
Autosomal recessive limb-girdle muscular dystrophy type 2J (LGMDR10). Also called: Limb-girdle muscular dystrophy, type 2J; MUSCULAR DYSTROPHY, LIMB-GIRDLE, AUTOSOMAL RECESSIVE 10. Identifiers: Orphanet 140922, MedGen C1837342, MONDO:0012127, OMIM 608807.

Allele frequency attached by ClinVar (database versions not stated): gnomAD exomes below 0.00001; TOPMed 0.00001.
gnomAD v4.1: 5 of 1,613,958 alleles (0.00031%); highest among the groups gnomAD compares: Admixed American, 0.0017%; no homozygotes.

Submission:

Labcorp Genetics (formerly Invitae), Labcorp
Classification: Uncertain significance for Dilated cardiomyopathy 1G; Autosomal recessive limb-girdle muscular dystrophy type 2J. Last evaluated: 2023-08-14. Review status: criteria provided, single submitter. Criteria: Invitae Variant Classification Sherloc (09022015). Collection method: clinical testing. Allele origin: germline.
Comment: ClinVar contains an entry for this variant (Variation ID: 1491195). This variant has not been reported in the literature in individuals affected with TTN-related conditions. This variant is present in population databases (no rsID available, gnomAD 0.003%). This sequence change replaces serine, which is neutral and polar, with leucine, which is neutral and non-polar, at codon 35066 of the TTN protein (p.Ser35066Leu). In summary, the available evidence is currently insufficient to determine the role of this variant in disease. Therefore, it has been classified as a Variant of Uncertain Significance. This variant is located in the M band of TTN (PMID: 25589632). Variants in this region may be relevant for neuromuscular disorders, but have not been definitively shown to cause cardiomyopathy (PMID: 23975875). Experimental studies and prediction algorithms are not available or were not evaluated, and the functional significance of this variant is currently unknown.

Literature cited by the submitters: PubMed 25589632; PubMed 23975875.